The following is an entry in ClinVar:

ClinVar aggregate classification (germline): Likely pathogenic (1 of 4 stars; one submission).

Conditions:
Hereditary von Willebrand disease. Identifiers: Orphanet 903, MedGen C5703318, MONDO:0019565. Inheritance: Autosomal recessive or Autosomal dominant.

Allele frequency attached by ClinVar (database versions not stated): ExAC below 0.00001.

Submission:

Laboratory for Molecular Medicine, Mass General Brigham Personalized Medicine
Classification: Likely pathogenic for Hereditary von Willebrand disease. Last evaluated: 2017-06-15. Review status: criteria provided, single submitter. Criteria: LMM Criteria. Collection method: clinical testing. Allele origin: germline. Inheritance: Autosomal recessive inheritance. Observed: 2 variant alleles.
Comment: The p.Cys1060LeufsX59 variant (NM_000552.3 c.3179delG) in VWF has not been repor ted in individuals with von Willebrand disease (VWD). Data from large population studies is insufficient to assess the frequency of this variant. This variant i s predicted to cause a frameshift, which alters the protein?s amino acid sequenc e beginning at position 1060 and leads to a premature termination codon 59 amino acids downstream. This alteration is then predicted to lead to a truncated or a bsent protein. Loss of function of the VWF gene is associated with von Willebran d disease. In summary, although additional studies are required to fully establ ish a null effect on the protein, the p.Cys1060LeufsX59 variant is likely pathog enic.

NM_000552.5(VWF):c.3179del (p.Cys1060fs)

Gene: VWF (von Willebrand factor; minus strand). Cytogenetic location: 12p13.31.
Variant type: Deletion.
Coding change: c.3179del on transcript NM_000552.5 (MANE Select); coding-DNA position 3179, one base deleted (G; older notation c.3179delG).
Protein change: p.Cys1060fs; shifts the reading frame from cysteine 1060.
Molecular consequence: frameshift variant.
Genome position (GRCh38, 1-based): chr12:6,025,623, C deleted on the plus strand (G on the coding strand, the reverse complement: VWF is on the minus strand). VCF-style (leftmost placement, unchanged base first): chr12-6025622-AC-A. GRCh37 (hg19) VCF-style: chr12-6134788-AC-A.
Other names: short protein forms C1060fs.
Identifiers: ClinVar variation 505760 (VCV000505760.5), dbSNP rs762105711, ClinGen allele CA6402821.